The following is an entry in ClinVar:

NM_001378418.1(TCF20):c.4712C>G (p.Ala1571Gly)

Gene: TCF20 (transcription factor 20; minus strand). Cytogenetic location: 22q13.2.
Variant type: single nucleotide variant.
Coding change: c.4712C>G on transcript NM_001378418.1 (MANE Select); coding-DNA position 4712, C replaced by G.
Protein change: p.Ala1571Gly; replaces alanine 1571 with glycine.
Molecular consequence: missense variant.
Genome position (GRCh38, 1-based): chr22:42,210,594, G>C on the plus strand (C>G on the coding strand, the complement: TCF20 is on the minus strand). VCF-style: chr22-42210594-G-C. GRCh37 (hg19) VCF-style: chr22-42606600-G-C.
Other names: c.4712C>G, p.Ala1571Gly (NM_005650.4, NM_181492.3); short protein forms A1571G.
Identifiers: ClinVar variation 4883791 (VCV004883791.3).

ClinVar aggregate classification (germline): Uncertain significance. Review status: criteria provided, multiple submitters, no conflicts (2 of 4 stars). 2 submissions from 2 submitters: Uncertain significance (2). Last evaluated 2024-07-08.

gnomAD v4.1: 5 of 1,614,022 alleles (0.00031%); highest among the groups gnomAD compares: Non-Finnish European, 0.00042%; no homozygotes.

Submissions (2):

Dasa
Classification: Uncertain significance. Last evaluated: 2024-07-08. Review status: criteria provided, single submitter. Criteria: DASA Assertion Criteria. Collection method: clinical testing. Allele origin: germline.
Comment: NM_001378418.1(TCF20):c.4712C>G (p.Ala1571Gly) is a missense variant that results in the substitution of alanine with glycine. Computational prediction algorithms are consistent with a benign effect. The currently available literature and clinical evidence are not sufficient to establish a definitive association between this variant and the reported condition. Therefore, this variant is classified as a variant of uncertain significance.

Blueprint Genetics
Classification: Uncertain significance. Last evaluated: 2023-08-15. Review status: criteria provided, single submitter. Criteria: ACMG Guidelines, 2015. Collection method: clinical testing. Allele origin: germline.